The following is an entry in ClinVar:

ClinVar aggregate classification (germline): Uncertain significance (1 of 4 stars; one submission).

Conditions:
PTPRU-related disorder. Also called: PTPRU-related condition.

gnomAD v4.1: 7 of 1,612,654 alleles (0.00043%); highest among the groups gnomAD compares: African/African-American, 0.008%; no homozygotes.

Submission:

PreventionGenetics, part of Exact Sciences
Classification: Uncertain significance for PTPRU-related condition. Last evaluated: 2026-03-29. Review status: criteria provided, single submitter. Criteria: ACMG Guidelines, 2015. Collection method: clinical testing. Allele origin: germline.
Comment: The PTPRU c.1152G>A variant is predicted to result in the amino acid substitution p.Met384Ile. To our knowledge, this variant has not been reported in the literature. This variant is reported in 0.024% of alleles in individuals of African descent in gnomAD. At this time, the clinical significance of this variant is uncertain due to the absence of conclusive functional and genetic evidence.

NM_133178.4(PTPRU):c.1152G>A (p.Met384Ile)

Gene: PTPRU (protein tyrosine phosphatase receptor type U; plus strand). Cytogenetic location: 1p35.3.
Variant type: single nucleotide variant.
Coding change: c.1152G>A on transcript NM_133178.4 (MANE Select); coding-DNA position 1152, G replaced by A.
Protein change: p.Met384Ile; replaces methionine 384 with isoleucine.
Molecular consequence: missense variant.
Genome position (GRCh38, 1-based): chr1:29,275,455, G>A. VCF-style: chr1-29275455-G-A. GRCh37 (hg19) VCF-style: chr1-29601967-G-A.
Other names: c.1152G>A, p.Met384Ile (NM_001195001.2, NM_005704.5, NM_133177.4); short protein forms M384I.
Identifiers: ClinVar variation 4990002 (VCV004990002.1).